The following is an entry in ClinVar:

ClinVar aggregate classification (germline): Conflicting classifications of pathogenicity. Review status: criteria provided, conflicting classifications (1 of 4 stars). 12 submissions from 12 submitters: Uncertain significance (1); Likely benign (9). 2 of the submissions do not count toward it. Last evaluated 2026-02-04.

Conditions:
BLM-related disorder. Also called: BLM-related condition.
Hereditary cancer-predisposing syndrome. Also called: Hereditary Cancer Syndrome; Tumor predisposition; Neoplastic Syndromes, Hereditary; Hereditary neoplastic syndrome. Identifiers: Orphanet 140162, MedGen C0027672, MeSH D009386, MONDO:0015356.
Bloom syndrome (BLM). Also called: Bloom-Torre-Machacek syndrome. Identifiers: Orphanet 125, MedGen C0005859, MONDO:0008876, OMIM 210900.

Allele frequency attached by ClinVar (database versions not stated): ExAC 0.00005; gnomAD exomes 0.00007 and 0.00023; gnomAD 0.00062 and 0.00066; 1000 Genomes Project 0.00080; 1000 Genomes Project 30x 0.00094; TOPMed 0.00113.
gnomAD v4.1: 213 of 1,614,136 alleles (0.013%); highest among the groups gnomAD compares: Admixed American, 0.24%; no homozygotes.

Submissions (12):

Labcorp Genetics (formerly Invitae), Labcorp
Classification: Likely benign for Bloom syndrome. Last evaluated: 2026-02-04. Review status: criteria provided, single submitter. Criteria: Invitae Variant Classification Sherloc (09022015). Collection method: clinical testing. Allele origin: germline.

CeGaT Center for Human Genetics Tuebingen
Classification: Likely benign. Last evaluated: 2025-12-01. Review status: criteria provided, single submitter. Criteria: CeGaT Center For Human Genetics Tuebingen Variant Classification Criteria Version 2. Collection method: clinical testing. Allele origin: germline. Affected: yes. Observed: 2 variant alleles.
Comment: BLM: BP4, BP7

Blueprint Genetics
Classification: Likely benign. Last evaluated: 2024-07-09. Review status: criteria provided, single submitter. Criteria: ACMG Guidelines, 2015. Collection method: clinical testing. Allele origin: germline.

Women's Health and Genetics/Laboratory Corporation of America, LabCorp
Classification: Likely benign. Last evaluated: 2024-04-07. Review status: criteria provided, single submitter. Criteria: LabCorp Variant Classification Summary - May 2015. Collection method: clinical testing. Allele origin: germline.

Quest Diagnostics Nichols Institute San Juan Capistrano
Classification: Likely benign. Last evaluated: 2022-08-22. Review status: criteria provided, single submitter. Criteria: Quest Diagnostics criteria. Collection method: clinical testing. Allele origin: unknown.

Genetic Services Laboratory, University of Chicago
Classification: Likely benign. Last evaluated: 2021-07-26. Review status: criteria provided, single submitter. Criteria: ACMG Guidelines, 2015. Collection method: clinical testing. Allele origin: germline. Affected: no.

GeneDx
Classification: Likely benign. Last evaluated: 2021-05-03. Review status: criteria provided, single submitter. Criteria: GeneDx Variant Classification Process June 2021. Collection method: clinical testing. Allele origin: germline. Affected: yes.

Sema4
Classification: Likely benign for Hereditary cancer-predisposing syndrome. Last evaluated: 2021-01-12. Review status: criteria provided, single submitter. Criteria: Sema4 Curation Guidelines. Collection method: curation. Allele origin: germline.

Ambry Genetics
Classification: Likely benign for Hereditary cancer-predisposing syndrome. Last evaluated: 2017-06-28. Review status: criteria provided, single submitter. Criteria: Ambry Variant Classification Scheme 2023. Collection method: clinical testing. Allele origin: germline.

Eurofins Ntd Llc (ga)
Classification: Uncertain significance. Last evaluated: 2016-09-22. Review status: criteria provided, single submitter. Criteria: EGL Classification Definitions 2015. Collection method: clinical testing. Allele origin: germline. Observed: 1 variant allele, 1 heterozygote.

Natera, Inc.
Classification: Likely benign for Bloom syndrome. Last evaluated: 2020-09-16. Review status: no assertion criteria provided. Collection method: clinical testing. Allele origin: germline. Not counted in ClinVar's aggregate classification.

PreventionGenetics, part of Exact Sciences
Classification: Likely benign for BLM-related condition. Last evaluated: 2019-06-19. Review status: no assertion criteria provided. Collection method: clinical testing. Allele origin: germline. Not counted in ClinVar's aggregate classification.
Comment: This variant is classified as likely benign based on ACMG/AMP sequence variant interpretation guidelines (Richards et al. 2015 PMID: 25741868, with internal and published modifications).

NM_000057.4(BLM):c.2919C>T (p.Tyr973=)

Gene: BLM (BLM RecQ like helicase; plus strand). Cytogenetic location: 15q26.1.
Variant type: single nucleotide variant.
Coding change: c.2919C>T on transcript NM_000057.4 (MANE Select); coding-DNA position 2919, C replaced by T.
Protein change: p.Tyr973=; no amino-acid change (tyrosine 973 retained).
Molecular consequence: synonymous variant.
Genome position (GRCh38, 1-based): chr15:90,790,744, C>T. VCF-style: chr15-90790744-C-T. GRCh37 (hg19) VCF-style: chr15-91333974-C-T.
Other names: c.2919C>T (LRG_20t1); c.2919C>T, p.Tyr973= (NM_001287246.2, NM_001287247.2); c.1794C>T, p.Tyr598= (NM_001287248.2).
Identifiers: ClinVar variation 291113 (VCV000291113.54), dbSNP rs181161119, ClinGen allele CA7738896.